The following is an entry in ClinVar:

ClinVar aggregate classification (germline): Likely pathogenic (1 of 4 stars; one submission).

Submission:

GeneDx
Classification: Likely pathogenic. Last evaluated: 2018-05-31. Review status: criteria provided, single submitter. Criteria: GeneDx Variant Classification (06012015). Collection method: clinical testing. Allele origin: germline. Affected: yes.
Comment: The R1491X variant in the APOB gene has not been reported as a pathogenic or benign to our knowledge. This variant is predicted to cause loss of normal protein function either by protein truncation or nonsense-mediated mRNA decay. In the Human Gene Mutation Database, other nonsense variants in the APOB gene have been reported in association with FH and a nearby frameshift variant, c.4473_4474delAG (p.R1491SfsX7), has been reported in association with hypobetalipoproteinemia (Stenson et al., 2014). Furthermore, the R1491X variant is not observed in large population cohorts (Lek et al., 2016).

NM_000384.3(APOB):c.4471A>T (p.Arg1491Ter)

Gene: APOB (apolipoprotein B; minus strand). Cytogenetic location: 2p24.1.
Variant type: single nucleotide variant.
Coding change: c.4471A>T on transcript NM_000384.3 (MANE Select); coding-DNA position 4471, A replaced by T.
Protein change: p.Arg1491Ter; replaces arginine 1491 with a stop codon.
Molecular consequence: nonsense.
Genome position (GRCh38, 1-based): chr2:21,012,397, T>A on the plus strand (A>T on the coding strand, the complement: APOB is on the minus strand). VCF-style: chr2-21012397-T-A. GRCh37 (hg19) VCF-style: chr2-21235269-T-A.
Other names: short protein forms R1491*.
Identifiers: ClinVar variation 620216 (VCV000620216.1), dbSNP rs1558565733, ClinGen allele CA346006808.